The following is an entry in ClinVar:

ClinVar aggregate classification (germline): Likely pathogenic. Review status: criteria provided, multiple submitters, no conflicts (2 of 4 stars). 2 submissions from 2 submitters: Likely pathogenic (2). Last evaluated 2022-06-01.

Conditions:
Junctional epidermolysis bullosa gravis of Herlitz. Also called: EPIDERMOLYSIS BULLOSA JUNCTIONALIS, HERLITZ TYPE; EPIDERMOLYSIS BULLOSA, JUNCTIONAL, HERLITZ-PEARSON TYPE; JEB-HERLITZ TYPE; Epidermolysis Bullosa Letalis; Herlitz-type junctional epidermolysis bullosa; EPIDERMOLYSIS BULLOSA, JUNCTIONAL 1B, SEVERE. Identifiers: Orphanet 79404, MedGen C0079683, MONDO:0009182, OMIM 226700.
Junctional epidermolysis bullosa. Identifiers: Orphanet 305, MedGen C0079301, MONDO:0017612.

Allele frequency attached by ClinVar (database versions not stated): TOPMed below 0.00001; gnomAD exomes 0.00001; ExAC 0.00002.
gnomAD v4.1: 3 of 1,614,086 alleles (0.00019%); highest among the groups gnomAD compares: Admixed American, 0.0017%; no homozygotes.

Submissions (2):

Women's Health and Genetics/Laboratory Corporation of America, LabCorp
Classification: Likely pathogenic for Junctional epidermolysis bullosa. Last evaluated: 2022-06-01. Review status: criteria provided, single submitter. Criteria: LabCorp Variant Classification Summary - May 2015. Collection method: clinical testing. Allele origin: germline.
Comment: Variant summary: LAMB3 c.1756C>T (p.Gln586X) results in a premature termination codon, predicted to cause a truncation of the encoded protein or absence of the protein due to nonsense mediated decay, which are commonly known mechanisms for disease. Truncations downstream of this position have been classified as pathogenic by our laboratory. The variant allele was found at a frequency of 1.2e-05 in 250296 control chromosomes. c.1756C>T has been reported in the literature in at least one compound heterozygous individual affected with Herlitz Junctional Epidermolysis Bullosa, indicating the variant is likely associated with disease (example Nakano_2002, Varki_2006). One clinical diagnostic laboratory has submitted clinical-significance assessments for this variant to ClinVar after 2014 without evidence for independent evaluation and classified the variant as likely pathogenic. Based on the evidence outlined above, the variant was classified as likely pathogenic.

NxGen MDx
Classification: Likely pathogenic for Junctional epidermolysis bullosa gravis of Herlitz. Last evaluated: 2019-12-18. Review status: criteria provided, single submitter. Criteria: ACMG Guidelines, 2015. Collection method: clinical testing. Allele origin: unknown.
Comment: This nonsense variant (c.1756C>T) is in a region where loss-of-function is a known mechanism of disease (PVS1). GnomAD databases show this variant to have very low allele frequency (PM2) and in silico models produced pathogenic predictions (PP3). We interpret c.1756C>T to be likely pathogenic.

Literature cited by the submitters: PubMed 11810295 (cited by Women's Health and Genetics/Laboratory Corporation of America, LabCorp and NxGen MDx); PubMed 16473856 (cited by Women's Health and Genetics/Laboratory Corporation of America, LabCorp).

NM_000228.3(LAMB3):c.1756C>T (p.Gln586Ter)

Gene: LAMB3 (laminin subunit beta 3; minus strand). Cytogenetic location: 1q32.2.
Variant type: single nucleotide variant.
Coding change: c.1756C>T on transcript NM_000228.3 (MANE Select); coding-DNA position 1756, C replaced by T.
Protein change: p.Gln586Ter; replaces glutamine 586 with a stop codon.
Molecular consequence: nonsense.
Genome position (GRCh38, 1-based): chr1:209,625,868, G>A on the plus strand (C>T on the coding strand, the complement: LAMB3 is on the minus strand). VCF-style: chr1-209625868-G-A. GRCh37 (hg19) VCF-style: chr1-209799213-G-A.
Other names: c.1756C>T, p.Gln586Ter (NM_001017402.2, NM_001127641.1); c.1756C>T (NM_000228.2); short protein forms Q586*.
Identifiers: ClinVar variation 1064673 (VCV001064673.4), dbSNP rs749842554, ClinGen allele CA1375475.